The following is an entry in ClinVar:

ClinVar aggregate classification (germline): Pathogenic. Review status: criteria provided, multiple submitters, no conflicts (2 of 4 stars). 3 submissions from 3 submitters: Pathogenic (3). Last evaluated 2024-03-14.

Conditions:
Autosomal recessive nonsyndromic hearing loss 4 (DFNB4). Also called: Deafness, autosomal recessive 4; Enlarged vestibular aqueduct, digenic; NEUROSENSORY NONSYNDROMIC RECESSIVE DEAFNESS 4; Deafness, autosomal recessive 4, with enlarged vestibular aqueduct; FOXI1-Related Pendred Syndrome; KCNJ10-Related Pendred Syndrome. Identifiers: Orphanet 90636, MedGen C3538946, MONDO:0010933, OMIM 600791.
Pendred syndrome (PDS). Also called: THYROID DYSHORMONOGENESIS 2B; THYROID HORMONOGENESIS, GENETIC DEFECT IN, 2B; DEAFNESS WITH GOITER; Pendred Syndrome (PDS); GOITER-DEAFNESS SYNDROME; HYPOTHYROIDISM, CONGENITAL, DUE TO DYSHORMONOGENESIS, 2B. Identifiers: Orphanet 705, MedGen C0271829, MONDO:0010134, OMIM 274600.

Submissions (3):

Fulgent Genetics
Classification: Pathogenic for Pendred syndrome; Autosomal recessive nonsyndromic hearing loss 4. Last evaluated: 2024-03-14. Review status: criteria provided, single submitter. Criteria: ACMG Guidelines, 2015. Collection method: clinical testing. Allele origin: germline.

Baylor Genetics
Classification: Pathogenic for Autosomal recessive nonsyndromic hearing loss 4. Last evaluated: 2024-01-25. Review status: criteria provided, single submitter. Criteria: ACMG Guidelines, 2015. Collection method: clinical testing. Allele origin: unknown.

Labcorp Genetics (formerly Invitae), Labcorp
Classification: Pathogenic. Last evaluated: 2023-11-11. Review status: criteria provided, single submitter. Criteria: Invitae Variant Classification Sherloc (09022015). Collection method: clinical testing. Allele origin: germline.
Comment: This sequence change creates a premature translational stop signal (p.Gln262Serfs*5) in the SLC26A4 gene. It is expected to result in an absent or disrupted protein product. Loss-of-function variants in SLC26A4 are known to be pathogenic (PMID: 16283880, 25394566, 26252218, 26445815). This variant is not present in population databases (gnomAD no frequency). This premature translational stop signal has been observed in individual(s) with SLC26A4-related conditions (PMID: 11317356). This variant is also known as 783-784insT (X286). ClinVar contains an entry for this variant (Variation ID: 2136589). For these reasons, this variant has been classified as Pathogenic.

Literature cited by the submitters: PubMed 16283880 (cited by Labcorp Genetics (formerly Invitae), Labcorp); PubMed 25394566 (cited by Labcorp Genetics (formerly Invitae), Labcorp); PubMed 26252218 (cited by Labcorp Genetics (formerly Invitae), Labcorp); PubMed 26445815 (cited by Labcorp Genetics (formerly Invitae), Labcorp); PubMed 11317356 (cited by Labcorp Genetics (formerly Invitae), Labcorp).

NM_000441.2(SLC26A4):c.783dup (p.Gln262fs)

Gene: SLC26A4 (solute carrier family 26 member 4; plus strand). Cytogenetic location: 7q22.3.
Variant type: Duplication.
Coding change: c.783dup on transcript NM_000441.2 (MANE Select); coding-DNA position 783, one base duplicated (T; older notation c.783dupT).
Protein change: p.Gln262fs; shifts the reading frame from glutamine 262.
Molecular consequence: frameshift variant.
Genome position (GRCh38, 1-based): chr7:107,683,219, T duplicated; the last of 5 consecutive T bases (chr7:107,683,215-107,683,219); duplicating any one gives the same sequence. VCF-style (leftmost placement, unchanged base first): chr7-107683214-A-AT. GRCh37 (hg19) VCF-style: chr7-107323659-A-AT.
Other names: short protein forms Q262fs.
Identifiers: ClinVar variation 2136589 (VCV002136589.6), dbSNP rs1395993186, ClinGen allele CA831173992.